The following is an entry in ClinVar:

NM_198576.4(AGRN):c.3454C>T (p.Pro1152Ser)

Gene: AGRN (agrin; plus strand). Cytogenetic location: 1p36.33.
Variant type: single nucleotide variant.
Coding change: c.3454C>T on transcript NM_198576.4 (MANE Select); coding-DNA position 3454, C replaced by T.
Protein change: p.Pro1152Ser; replaces proline 1152 with serine.
Molecular consequence: missense variant.
Genome position (GRCh38, 1-based): chr1:1,047,392, C>T. VCF-style: chr1-1047392-C-T. GRCh37 (hg19) VCF-style: chr1-982772-C-T.
Other names: c.3454C>T, p.Pro1152Ser (NM_001305275.2); c.3139C>T, p.Pro1047Ser (NM_001364727.2); short protein forms P1047S, P1152S.
Identifiers: ClinVar variation 1411835 (VCV001411835.8), dbSNP rs760592311, ClinGen allele CA509076.

ClinVar aggregate classification (germline): Uncertain significance (1 of 4 stars; one submission).

Conditions:
Congenital myasthenic syndrome 8. Also called: MYASTHENIC SYNDROME, CONGENITAL, DUE TO AGRIN DEFICIENCY; Myasthenic syndrome, congenital, 8, with pre- and postsynaptic defects. Identifiers: Orphanet 590, MedGen C3808739, MONDO:0014052, OMIM 615120.

Allele frequency attached by ClinVar (database versions not stated): gnomAD exomes below 0.00001; TOPMed below 0.00001; ExAC 0.00001; gnomAD 0.00001.
gnomAD v4.1: 1 of 1,612,392 alleles (0.000062%); highest among the groups gnomAD compares: Non-Finnish European, 0.000085%; no homozygotes.

Submission:

Labcorp Genetics (formerly Invitae), Labcorp
Classification: Uncertain significance for Congenital myasthenic syndrome 8. Last evaluated: 2023-10-13. Review status: criteria provided, single submitter. Criteria: Invitae Variant Classification Sherloc (09022015). Collection method: clinical testing. Allele origin: germline.
Comment: This sequence change replaces proline, which is neutral and non-polar, with serine, which is neutral and polar, at codon 1152 of the AGRN protein (p.Pro1152Ser). This variant is not present in population databases (gnomAD no frequency). This variant has not been reported in the literature in individuals affected with AGRN-related conditions. ClinVar contains an entry for this variant (Variation ID: 1411835). An algorithm developed to predict the effect of missense changes on protein structure and function (PolyPhen-2) suggests that this variant is likely to be disruptive. In summary, the available evidence is currently insufficient to determine the role of this variant in disease. Therefore, it has been classified as a Variant of Uncertain Significance.